The following is an entry in ClinVar:

ClinVar aggregate classification (germline): Pathogenic. Review status: reviewed by expert panel (3 of 4 stars). 6 submissions from 5 submitters: Pathogenic (1). 5 of the submissions do not count toward it. Last evaluated 2025-08-28.

Conditions:
Retinitis pigmentosa 3. Also called: CHOROIDORETINAL DEGENERATION WITH RETINAL REFLEX IN HETEROZYGOUS WOMEN. Identifiers: Orphanet 791, MedGen C1845667, MONDO:0010227, OMIM 300029.
RPGR-related retinopathy. Also called: RPGR retinopathy. Identifiers: MedGen CN305589, MONDO:0100437.
Retinal dystrophy. Also called: Inherited retinal dystrophy. Identifiers: Orphanet 71862, MedGen C0854723, MeSH D058499, MONDO:0019118, HP:0000556.
Retinitis pigmentosa, X-linked, and sinorespiratory infections, with or without deafness (RPSRDF). Identifiers: Orphanet 247522, MedGen C2749137, OMIM 300455.
Macular degeneration, X-linked atrophic. Identifiers: Orphanet 1872, MedGen C3151784, MONDO:0010443, OMIM 300834.
X-linked cone-rod dystrophy 1 (CORDX1). Identifiers: Orphanet 1872, MedGen C1844776, MONDO:0010566, OMIM 304020.

Submissions (6):

ClinGen X-linked Inherited Retinal Disease Variant Curation Expert Panel, ClinGen
Classification: Pathogenic for RPGR-related retinopathy. Last evaluated: 2025-08-28. Review status: reviewed by expert panel. Criteria: ClinGen X LinkedIRD ACMG Specifications RPGR V1.0.0. Collection method: curation. Allele origin: germline. Inheritance: X-linked inheritance.
Comment: NM_001034853.2(RPGR):c.2260G>T (p.Glu754Ter) is a nonsense variant that introduces a premature stop codon within exon 15 of 15 that is predicted to disrupt a critical C-terminal region required for proper glutamylation of RPGR (PVS1, PMID: 36445968). This variant is absent from gnomAD v4.1.0 (PM2_Supporting). At least one proband harboring this variant exhibits a phenotype including presentation with night blindness (0.5 pts) at age 7 (1 pt), pigment deposits (0.5 pts), optic disc pallor (0.5 pts), and genotyping by next-generation sequencing with a 483-gene panel finding no alternative basis for retinal disease (2 pts), which together are specific for RPGR-related retinopathy (4.5 points, PMID: 36276946, PP4). In summary, this variant is classified as pathogenic for RPGR-related retinopathy based on the ClinGen X-linked Inherited Retinal Disease Expert Panel Specifications to the ACMG/AMP Variant Interpretation Guidelines for RPGR Version 1.0.0; PVS1, PM2_Supporting, and PP4.

GeneDx
Classification: Pathogenic. Last evaluated: 2024-04-04. Review status: criteria provided, single submitter. Criteria: GeneDx Variant Classification Process June 2021. Collection method: clinical testing. Allele origin: germline. Affected: yes. Not counted in ClinVar's aggregate classification.
Comment: Published functional studies demonstrate a damaging effect to the molecular interactions (PMID: 23213406); Nonsense variant predicted to result in protein truncation, as the last 399 amino acids are lost, and other loss-of-function variants have been reported downstream in HGMD; Not observed at significant frequency in large population cohorts (gnomAD); Also known as g.ORF15+507G>T p.E169X (PMID: 11992260, 17554762, 23213406); This variant is associated with the following publications: (PMID: 11992260, 24454928, 17554762, 34985506, 23213406)

Fulgent Genetics
Classification: Pathogenic for Retinitis pigmentosa 3; Retinitis pigmentosa, X-linked, and sinorespiratory infections, with or without deafness; Macular degeneration, X-linked atrophic; X-linked cone-rod dystrophy 1. Last evaluated: 2021-09-20. Review status: criteria provided, single submitter. Criteria: ACMG Guidelines, 2015. Collection method: clinical testing. Allele origin: unknown. Not counted in ClinVar's aggregate classification.

Blueprint Genetics
Classification: Pathogenic for Retinal dystrophy. Last evaluated: 2018-11-05. Review status: criteria provided, single submitter. Criteria: Blueprint Genetics Variant Classification Scheme. Collection method: clinical testing. Allele origin: germline. Affected: yes. Not counted in ClinVar's aggregate classification.

PreventionGenetics, part of Exact Sciences
Classification: Pathogenic. Last evaluated: 2016-12-29. Review status: criteria provided, single submitter. Criteria: ACMG Guidelines, 2015. Collection method: clinical testing. Allele origin: germline. Not counted in ClinVar's aggregate classification.

Blueprint Genetics
Classification: Pathogenic for Retinitis pigmentosa 3. Review status: no assertion criteria provided. Collection method: clinical testing. Allele origin: germline. Affected: yes. Not counted in ClinVar's aggregate classification.

NM_001034853.2(RPGR):c.2260G>T (p.Glu754Ter)

Gene: RPGR (retinitis pigmentosa GTPase regulator; minus strand). Cytogenetic location: Xp11.4.
Variant type: single nucleotide variant.
Coding change: c.2260G>T on transcript NM_001034853.2 (MANE Select); coding-DNA position 2260, G replaced by T.
Protein change: p.Glu754Ter; replaces glutamic acid 754 with a stop codon.
Molecular consequence: nonsense. On other transcripts: intron variant (8).
Genome position (GRCh38, 1-based): chrX:38,286,739, C>A on the plus strand (G>T on the coding strand, the complement: RPGR is on the minus strand). VCF-style: chrX-38286739-C-A. GRCh37 (hg19) VCF-style: chrX-38145992-C-A.
Other names: NM_001034853.2(RPGR):c.2260G>T; p.Glu754Ter; c.1569+4220G>T (NM_001367249.1, NM_001367250.1); c.1902+355G>T (NM_001367245.1); c.1386+4220G>T (NM_001367251.1); c.1719+355G>T (NM_001367246.1); c.1572+4220G>T (NM_001367247.1); c.1905+355G>T (NM_000328.3); and 1 more; short protein forms E754*.
Identifiers: ClinVar variation 866844 (VCV000866844.7), dbSNP rs2067187550, ClinGen allele CA412731062.